The following is an entry in ClinVar:

NM_000065.5(C6):c.1589del (p.Gly530fs)

Gene: C6 (complement C6; minus strand). Cytogenetic location: 5p13.1.
Variant type: Deletion.
Coding change: c.1589del on transcript NM_000065.5 (MANE Select); coding-DNA position 1589, one base deleted (G; older notation c.1589delG).
Protein change: p.Gly530fs; shifts the reading frame from glycine 530.
Molecular consequence: frameshift variant.
Genome position (GRCh38, 1-based): chr5:41,160,237, C deleted on the plus strand (G on the coding strand, the reverse complement: C6 is on the minus strand); the first of 2 consecutive C bases (chr5:41,160,237-41,160,238); deleting either gives the same sequence. VCF-style (leftmost placement, unchanged base first): chr5-41160236-GC-G. GRCh37 (hg19) VCF-style: chr5-41160338-GC-G.
Other names: c.1589del, p.Gly530fs (NM_001115131.4); short protein forms G530fs.
Identifiers: ClinVar variation 2969163 (VCV002969163.3), dbSNP rs754001934, ClinGen allele CA3252413.

ClinVar aggregate classification (germline): Pathogenic (1 of 4 stars; one submission).

Submission:

Labcorp Genetics (formerly Invitae), Labcorp
Classification: Pathogenic. Last evaluated: 2025-10-26. Review status: criteria provided, single submitter. Criteria: Invitae Variant Classification Sherloc (09022015). Collection method: clinical testing. Allele origin: germline.
Comment: This sequence change creates a premature translational stop signal (p.Gly530Alafs*35) in the C6 gene. It is expected to result in an absent or disrupted protein product. Loss-of-function variants in C6 are known to be pathogenic (PMID: 17257682). This variant is present in population databases (rs754001934, gnomAD 0.005%). This variant has not been reported in the literature in individuals affected with C6-related conditions. ClinVar contains an entry for this variant (Variation ID: 2969163). For these reasons, this variant has been classified as Pathogenic.

Literature cited by the submitters: PubMed 17257682.